The following is an entry in ClinVar:

ClinVar aggregate classification (germline): Uncertain significance (1 of 4 stars; one submission).

Conditions:
GNAS-related disorder. Identifiers: MedGen CN380105.

gnomAD v4.1: 31 of 1,613,440 alleles (0.0019%); highest among the groups gnomAD compares: East Asian, 0.056%; no homozygotes.

Submission:

PreventionGenetics, part of Exact Sciences
Classification: Uncertain significance for GNAS-related condition. Last evaluated: 2025-01-02. Review status: criteria provided, single submitter. Criteria: ACMG Guidelines, 2015. Collection method: clinical testing. Allele origin: germline.
Comment: The GNAS c.334G>A variant is predicted to result in the amino acid substitution p.Glu112Lys. This variant has been identified in individuals with congenital hypothyroidism (Chen et al. 2019. PubMed ID: 31315768; Long et al. 2018. PubMed ID: 30022773; Sun et al. 2018. PubMed ID: 29650690). This variant is reported in 0.054% of alleles in individuals of East Asian descent in gnomAD. Of note, this variant is also known as a pre-coding variant c.-51287G>A on the primary transcript NM_000516. At this time, the clinical significance of this variant is uncertain due to the absence of conclusive functional and genetic evidence.

NM_016592.5(GNAS):c.334G>A (p.Glu112Lys)

Genes: GNAS (GNAS complex locus; plus strand), GNAS-AS1 (GNAS antisense RNA 1; minus strand). Cytogenetic location: 20q13.32.
Variant type: single nucleotide variant.
Coding change: c.334G>A on transcript NM_016592.5 (MANE Plus Clinical); coding-DNA position 334, G replaced by A.
Protein change: p.Glu112Lys; replaces glutamic acid 112 with lysine.
Molecular consequence: missense variant. On other transcripts: 5 prime UTR variant (1).
Genome position (GRCh38, 1-based): chr20:58,840,440, G>A. VCF-style: chr20-58840440-G-A. GRCh37 (hg19) VCF-style: chr20-57415495-G-A.
Other names: c.-404G>A (NM_001410912.1); short protein forms E112K.
Identifiers: ClinVar variation 4981212 (VCV004981212.1).